The following is an entry in ClinVar:

NM_024577.4(SH3TC2):c.3166C>T (p.Leu1056Phe)

Gene: SH3TC2 (SH3 domain and tetratricopeptide repeats 2; minus strand). Cytogenetic location: 5q32.
Variant type: single nucleotide variant.
Coding change: c.3166C>T on transcript NM_024577.4 (MANE Select); coding-DNA position 3166, C replaced by T.
Protein change: p.Leu1056Phe; replaces leucine 1056 with phenylalanine.
Molecular consequence: missense variant.
Genome position (GRCh38, 1-based): chr5:149,012,622, G>A on the plus strand (C>T on the coding strand, the complement: SH3TC2 is on the minus strand). VCF-style: chr5-149012622-G-A. GRCh37 (hg19) VCF-style: chr5-148392185-G-A.
Other names: p.Leu1056Phe; short protein forms L1056F.
Identifiers: ClinVar variation 246560 (VCV000246560.31), dbSNP rs201805333, ClinGen allele CA3498833.

ClinVar aggregate classification (germline): Conflicting classifications of pathogenicity. Review status: criteria provided, conflicting classifications (1 of 4 stars). 6 submissions from 6 submitters: Uncertain significance (5); Likely benign (1). Last evaluated 2026-10-19.

Conditions:
Inborn genetic diseases. Identifiers: MedGen C0950123, MeSH D030342.
Charcot-Marie-Tooth disease type 4. Also called: Charcot-Marie-Tooth, Type 4; Charcot-Marie-Tooth disease, type IV. Identifiers: Orphanet 64749, MedGen C4082197, MONDO:0018995.

Allele frequency attached by ClinVar (database versions not stated): ExAC 0.00006; gnomAD 0.00007 and 0.00009; TOPMed 0.00007; gnomAD exomes 0.00008.
gnomAD v4.1: 309 of 1,614,062 alleles (0.019%); highest among the groups gnomAD compares: Non-Finnish European, 0.024%; no homozygotes.

Submissions (6):

GeneDx
Classification: Uncertain significance. Last evaluated: 2026-10-19. Review status: criteria provided, single submitter. Criteria: GeneDx Variant Classification Process June 2021. Collection method: clinical testing. Allele origin: germline.
Comment: Reported previously as a variant of uncertain significance in a cohort of individuals referred for genetic testing of CMT related genes; however, no specific clinical information was provided (PMID: 25614874); In silico analysis supports that this missense variant has a deleterious effect on protein structure/function; This variant is associated with the following publications: (PMID: 24448499, 25614874)

Labcorp Genetics (formerly Invitae), Labcorp
Classification: Likely benign for Charcot-Marie-Tooth disease type 4. Last evaluated: 2025-09-17. Review status: criteria provided, single submitter. Criteria: Invitae Variant Classification Sherloc (09022015). Collection method: clinical testing. Allele origin: germline.

CeGaT Center for Human Genetics Tuebingen
Classification: Uncertain significance. Last evaluated: 2025-07-01. Review status: criteria provided, single submitter. Criteria: CeGaT Center For Human Genetics Tuebingen Variant Classification Criteria Version 2. Collection method: clinical testing. Allele origin: germline. Affected: yes. Observed: 1 variant allele.
Comment: SH3TC2: PM2

Ambry Genetics
Classification: Uncertain significance for Inborn genetic diseases. Last evaluated: 2022-03-23. Review status: criteria provided, single submitter. Criteria: Ambry Variant Classification Scheme 2023. Collection method: clinical testing. Allele origin: germline.
Comment: The p.L1056F variant (also known as c.3166C>T), located in coding exon 13 of the SH3TC2 gene, results from a C to T substitution at nucleotide position 3166. The leucine at codon 1056 is replaced by phenylalanine, an amino acid with highly similar properties. This amino acid position is highly conserved in available vertebrate species. In addition, the in silico prediction for this alteration is inconclusive. Since supporting evidence is limited at this time, the clinical significance of this alteration remains unclear.

Mayo Clinic Laboratories, Mayo Clinic
Classification: Uncertain significance. Last evaluated: 2021-09-29. Review status: criteria provided, single submitter. Criteria: ACMG Guidelines, 2015. Collection method: clinical testing. Allele origin: germline.

Athena Diagnostics
Classification: Uncertain significance. Last evaluated: 2018-09-27. Review status: criteria provided, single submitter. Criteria: Athena Diagnostics Criteria. Collection method: clinical testing. Allele origin: germline.